The following is an entry in ClinVar:

ClinVar aggregate classification (germline): Uncertain significance. Review status: criteria provided, multiple submitters, no conflicts (2 of 4 stars). 3 submissions from 3 submitters: Uncertain significance (3). Last evaluated 2024-11-14.

Allele frequency attached by ClinVar (database versions not stated): ExAC 0.00027; gnomAD exomes 0.00034 and 0.00069; ESP Exome Variant Server 0.00040; gnomAD 0.00040 and 0.00044; TOPMed 0.00040.
gnomAD v4.1: 1,068 of 1,614,098 alleles (0.066%); highest among the groups gnomAD compares: Non-Finnish European, 0.084%; no homozygotes.

Submissions (3):

Blueprint Genetics
Classification: Uncertain significance. Last evaluated: 2024-11-14. Review status: criteria provided, single submitter. Criteria: ACMG Guidelines, 2015. Collection method: clinical testing. Allele origin: germline.

Labcorp Genetics (formerly Invitae), Labcorp
Classification: Uncertain significance. Last evaluated: 2023-11-28. Review status: criteria provided, single submitter. Criteria: Invitae Variant Classification Sherloc (09022015). Collection method: clinical testing. Allele origin: germline.
Comment: This sequence change replaces serine, which is neutral and polar, with leucine, which is neutral and non-polar, at codon 785 of the TRAK1 protein (p.Ser785Leu). This variant is present in population databases (rs201913227, gnomAD 0.06%). This variant has not been reported in the literature in individuals affected with TRAK1-related conditions. ClinVar contains an entry for this variant (Variation ID: 1335509). An algorithm developed to predict the effect of missense changes on protein structure and function (PolyPhen-2) suggests that this variant is likely to be disruptive. In summary, the available evidence is currently insufficient to determine the role of this variant in disease. Therefore, it has been classified as a Variant of Uncertain Significance.

CeGaT Center for Human Genetics Tuebingen
Classification: Uncertain significance. Last evaluated: 2021-11-01. Review status: criteria provided, single submitter. Criteria: CeGaT Center For Human Genetics Tuebingen Variant Classification Criteria Version 2. Collection method: clinical testing. Allele origin: germline. Affected: yes. Observed: 1 variant allele.

NM_001042646.3(TRAK1):c.2354C>T (p.Ser785Leu)

Gene: TRAK1 (trafficking kinesin protein 1; plus strand). Cytogenetic location: 3p22.1.
Variant type: single nucleotide variant.
Coding change: c.2354C>T on transcript NM_001042646.3 (MANE Select); coding-DNA position 2354, C replaced by T.
Protein change: p.Ser785Leu; replaces serine 785 with leucine.
Molecular consequence: missense variant. On other transcripts: 3 prime UTR variant (1), non-coding transcript variant (1).
Genome position (GRCh38, 1-based): chr3:42,223,229, C>T. VCF-style: chr3-42223229-C-T. GRCh37 (hg19) VCF-style: chr3-42264721-C-T.
Other names: c.1979C>T, p.Ser660Leu (NM_001349245.1); c.2291C>T, p.Ser764Leu (NM_001349246.2); c.*308C>T (NM_001349247.2); c.2069C>T, p.Ser690Leu (NM_001349248.1); c.2132C>T, p.Ser711Leu (NM_001349249.1); short protein forms S660L, S690L, S711L, S764L, S785L.
Identifiers: ClinVar variation 1335509 (VCV001335509.38), dbSNP rs201913227, ClinGen allele CA2333842.